The following is an entry in ClinVar:

NM_001256545.2(MEGF10):c.1840+6T>A

Gene: MEGF10 (multiple EGF like domains 10; plus strand). Cytogenetic location: 5q23.2.
Variant type: single nucleotide variant.
Coding change: c.1840+6T>A on transcript NM_001256545.2 (MANE Select); 6 bases into the intron after coding-DNA position 1840, T replaced by A.
Molecular consequence: intron variant.
Genome position (GRCh38, 1-based): chr5:127,433,515, T>A. VCF-style: chr5-127433515-T-A. GRCh37 (hg19) VCF-style: chr5-126769207-T-A.
Other names: c.1840+6T>A (NM_032446.3).
Identifiers: ClinVar variation 3370526 (VCV003370526.1).

ClinVar aggregate classification (germline): Uncertain significance (1 of 4 stars; one submission).

Submission:

GeneDx
Classification: Uncertain significance. Last evaluated: 2024-03-08. Review status: criteria provided, single submitter. Criteria: GeneDx Variant Classification Process June 2021. Collection method: clinical testing. Allele origin: germline. Affected: yes.
Comment: Not observed at significant frequency in large population cohorts (gnomAD); Has not been previously published as pathogenic or benign to our knowledge; In silico analysis is inconclusive as to whether the variant alters gene splicing. In the absence of RNA/functional studies, the actual effect of this sequence change is unknown.